The following is an entry in ClinVar:

NM_004656.4(BAP1):c.423T>C (p.His141=)

Gene: BAP1 (BRCA1 associated deubiquitinase 1; minus strand). Cytogenetic location: 3p21.1.
Variant type: single nucleotide variant.
Coding change: c.423T>C on transcript NM_004656.4 (MANE Select); coding-DNA position 423, T replaced by C.
Protein change: p.His141=; no amino-acid change (histidine 141 retained).
Molecular consequence: synonymous variant.
Genome position (GRCh38, 1-based): chr3:52,407,413, A>G on the plus strand (T>C on the coding strand, the complement: BAP1 is on the minus strand). VCF-style: chr3-52407413-A-G. GRCh37 (hg19) VCF-style: chr3-52441429-A-G.
Other names: c.423T>C (NM_004656.2).
Identifiers: ClinVar variation 922267 (VCV000922267.14), dbSNP rs757571975, ClinGen allele CA2437085.
Genomic context (GRCh38, chr3:52,407,413, plus strand): 5'-CTCCCCCTACTCCCACCCCACATCAGCTCCCACAGCTCCCACACACCTGGCATGGCTATT[A>G]TGGGCCTTGGCCAACTCCGGGGCATTGCCAATCGCATATCCTTTGCTCTACGGGGAAGAA-3'
Protein context (NP_004647.1, residues 131-151): IGNAPELAKA[His141=]NSHARPEPRH

ClinVar aggregate classification (germline): Benign/Likely benign. Review status: criteria provided, multiple submitters, no conflicts (2 of 4 stars). 5 submissions from 5 submitters: Benign (1); Likely benign (4). Last evaluated 2026-08-04.

Conditions:
Hereditary cancer-predisposing syndrome. Also called: Neoplastic Syndromes, Hereditary; Hereditary Cancer Syndrome; Tumor predisposition; Hereditary neoplastic syndrome. Identifiers: Orphanet 140162, MedGen C0027672, MeSH D009386, MONDO:0015356.
BAP1-related tumor predisposition syndrome (TPDS1). Also called: BAP1 tumor predisposition syndrome; COMMON Syndrome; TUMOR PREDISPOSITION SYNDROME 1; Tumor susceptibility linked to germline BAP1 mutations. Identifiers: Orphanet 289539, MedGen C3280492, MONDO:0013692, OMIM 614327.

Allele frequency attached by ClinVar (database versions not stated): ExAC 0.00001; gnomAD exomes 0.00001.
gnomAD v4.1: 4 of 1,614,164 alleles (0.00025%); highest among the groups gnomAD compares: South Asian, 0.0044%; no homozygotes.

Submissions (5):

Ambry Genetics
Classification: Likely benign for Hereditary cancer-predisposing syndrome. Last evaluated: 2026-08-04. Review status: criteria provided, single submitter. Criteria: Ambry Variant Classification Scheme 2023. Collection method: clinical testing. Allele origin: germline.

Center for Genomic Medicine, Rigshospitalet, Copenhagen University Hospital
Classification: Likely benign. Last evaluated: 2025-03-04. Review status: criteria provided, single submitter. Criteria: ACMG Guidelines, 2015. Collection method: clinical testing. Allele origin: germline.

Myriad Genetics, Inc.
Classification: Benign for BAP1-related tumor predisposition syndrome. Last evaluated: 2024-07-12. Review status: criteria provided, single submitter. Criteria: Myriad Autosomal Dominant, Autosomal Recessive and X-Linked Classification Criteria (2023). Collection method: clinical testing. Allele origin: unknown.
Comment: This variant is considered benign. This variant is a silent/synonymous amino acid change and it is not expected to impact splicing.

Labcorp Genetics (formerly Invitae), Labcorp
Classification: Likely benign for BAP1-related tumor predisposition syndrome. Last evaluated: 2023-09-21. Review status: criteria provided, single submitter. Criteria: Invitae Variant Classification Sherloc (09022015). Collection method: clinical testing. Allele origin: germline.

Color Diagnostics, LLC DBA Color Health
Classification: Likely benign for Hereditary cancer-predisposing syndrome. Last evaluated: 2019-10-30. Review status: criteria provided, single submitter. Criteria: ACMG Guidelines, 2015. Collection method: clinical testing. Allele origin: germline.